The following is an entry in ClinVar:

ClinVar aggregate classification (germline): Uncertain significance (1 of 4 stars; one submission).

Conditions:
Candidiasis, familial, 9 (CANDF9). Identifiers: Orphanet 1334, MedGen C4225324, MONDO:0014642, OMIM 616445.

Submission:

Labcorp Genetics (formerly Invitae), Labcorp
Classification: Uncertain significance for Candidiasis, familial, 9. Last evaluated: 2022-12-18. Review status: criteria provided, single submitter. Criteria: Invitae Variant Classification Sherloc (09022015). Collection method: clinical testing. Allele origin: germline.
Comment: This sequence change replaces glycine, which is neutral and non-polar, with arginine, which is basic and polar, at codon 122 of the IL17RC protein (p.Gly122Arg). This variant is not present in population databases (gnomAD no frequency). This variant has not been reported in the literature in individuals affected with IL17RC-related conditions. Algorithms developed to predict the effect of missense changes on protein structure and function are either unavailable or do not agree on the potential impact of this missense change (SIFT: "Deleterious"; PolyPhen-2: "Probably Damaging"; Align-GVGD: "Class C15"). Algorithms developed to predict the effect of sequence changes on RNA splicing suggest that this variant may disrupt the consensus splice site. In summary, the available evidence is currently insufficient to determine the role of this variant in disease. Therefore, it has been classified as a Variant of Uncertain Significance.

NM_153460.4(IL17RC):c.151G>A (p.Gly51Arg)

Gene: IL17RC (interleukin 17 receptor C; plus strand). Cytogenetic location: 3p25.3.
Variant type: single nucleotide variant.
Coding change: c.151G>A on transcript NM_153460.4 (MANE Select); coding-DNA position 151, G replaced by A.
Protein change: p.Gly51Arg; replaces glycine 51 with arginine.
Molecular consequence: missense variant. On other transcripts: non-coding transcript variant (1).
Genome position (GRCh38, 1-based): chr3:9,917,946, G>A. VCF-style: chr3-9917946-G-A. GRCh37 (hg19) VCF-style: chr3-9959630-G-A.
Other names: c.151G>A, p.Gly51Arg (NM_001203263.2, NM_001203264.2, NM_001203265.2 and 5 more transcripts); c.364G>A, p.Gly122Arg (NM_153461.4); short protein forms G51R, G122R.
Identifiers: ClinVar variation 2822094 (VCV002822094.3), dbSNP rs2470086881, ClinGen allele CA351754846.